The following is an entry in ClinVar:

ClinVar aggregate classification (germline): Pathogenic (1 of 4 stars; one submission).

Conditions:
Neurofibromatosis, type 1 (NF1). Also called: Peripheral type neurofibromatosis; Neurofibromatosis, type I; VON RECKLINGHAUSEN DISEASE; NEUROFIBROMATOSIS, TYPE I, SOMATIC. Identifiers: Orphanet 636, MedGen C0027831, MONDO:0018975, OMIM 162200. Disease mechanism: loss of function.

Submission:

Labcorp Genetics (formerly Invitae), Labcorp
Classification: Pathogenic for Neurofibromatosis, type 1. Last evaluated: 2019-03-21. Review status: criteria provided, single submitter. Criteria: Invitae Variant Classification Sherloc (09022015). Collection method: clinical testing. Allele origin: germline.
Comment: Loss-of-function variants in NF1 are known to be pathogenic (PMID: 10712197, 23913538). This sequence change creates a premature translational stop signal (p.Ser2446*) in the NF1 gene. It is expected to result in an absent or disrupted protein product. This variant is not present in population databases (ExAC no frequency). This nonsense change has been observed in several individuals affected with neurofibromatosis type 1 (PMID: 26969325, 17426081, 10607834, Invitae). For these reasons, this variant has been classified as Pathogenic.

Literature cited by the submitters: PubMed 10712197; PubMed 23913538; PubMed 26969325; PubMed 17426081; PubMed 10607834.

NM_001042492.3(NF1):c.7400C>A (p.Ser2467Ter)

Gene: NF1 (neurofibromin 1; plus strand). Cytogenetic location: 17q11.2.
Variant type: single nucleotide variant.
Coding change: c.7400C>A on transcript NM_001042492.3 (MANE Select); coding-DNA position 7400, C replaced by A.
Protein change: p.Ser2467Ter; replaces serine 2467 with a stop codon.
Molecular consequence: nonsense.
Genome position (GRCh38, 1-based): chr17:31,350,261, C>A. VCF-style: chr17-31350261-C-A. GRCh37 (hg19) VCF-style: chr17-29677279-C-A.
Other names: c.7337C>A, p.Ser2446Ter (NM_000267.4); short protein forms S2446*, S2467*.
Identifiers: ClinVar variation 836114 (VCV000836114.6), dbSNP rs1555536135, ClinGen allele CA399017105.